The following is an entry in ClinVar:

NM_006397.3(RNASEH2A):c.883T>A (p.Ser295Thr)

Gene: RNASEH2A (ribonuclease H2 subunit A; plus strand). Cytogenetic location: 19p13.13.
Variant type: single nucleotide variant.
Coding change: c.883T>A on transcript NM_006397.3 (MANE Select); coding-DNA position 883, T replaced by A.
Protein change: p.Ser295Thr; replaces serine 295 with threonine.
Molecular consequence: missense variant.
Genome position (GRCh38, 1-based): chr19:12,813,449, T>A. VCF-style: chr19-12813449-T-A. GRCh37 (hg19) VCF-style: chr19-12924263-T-A.
Other names: short protein forms S295T.
Identifiers: ClinVar variation 951651 (VCV000951651.9), dbSNP rs1438193575, ClinGen allele CA404270088.

ClinVar aggregate classification (germline): Uncertain significance (1 of 4 stars; one submission).

Conditions:
Aicardi-Goutieres syndrome 4. Identifiers: Orphanet 51, MedGen C1835912, MONDO:0012472, OMIM 610333.

Submission:

Labcorp Genetics (formerly Invitae), Labcorp
Classification: Uncertain significance for Aicardi-Goutieres syndrome 4. Last evaluated: 2019-06-24. Review status: criteria provided, single submitter. Criteria: Invitae Variant Classification Sherloc (09022015). Collection method: clinical testing. Allele origin: germline.
Comment: In summary, the available evidence is currently insufficient to determine the role of this variant in disease. Therefore, it has been classified as a Variant of Uncertain Significance. Algorithms developed to predict the effect of missense changes on protein structure and function (SIFT, PolyPhen-2, Align-GVGD) all suggest that this variant is likely to be tolerated, but these predictions have not been confirmed by published functional studies and their clinical significance is uncertain. This sequence change replaces serine with threonine at codon 295 of the RNASEH2A protein (p.Ser295Thr). The serine residue is moderately conserved and there is a small physicochemical difference between serine and threonine. This variant is not present in population databases (ExAC no frequency). This variant has not been reported in the literature in individuals with RNASEH2A-related conditions.